The following is an entry in ClinVar:

NM_003482.4(KMT2D):c.7999C>T (p.Pro2667Ser)

Gene: KMT2D (lysine methyltransferase 2D; minus strand). Cytogenetic location: 12q13.12.
Variant type: single nucleotide variant.
Coding change: c.7999C>T on transcript NM_003482.4 (MANE Select); coding-DNA position 7999, C replaced by T.
Protein change: p.Pro2667Ser; replaces proline 2667 with serine.
Molecular consequence: missense variant.
Genome position (GRCh38, 1-based): chr12:49,039,771, G>A on the plus strand (C>T on the coding strand, the complement: KMT2D is on the minus strand). VCF-style: chr12-49039771-G-A. GRCh37 (hg19) VCF-style: chr12-49433554-G-A.
Other names: short protein forms P2667S.
Identifiers: ClinVar variation 4986608 (VCV004986608.1).

ClinVar aggregate classification (germline): Uncertain significance (1 of 4 stars; one submission).

Conditions:
KMT2D-related disorder. Also called: KMT2D-Related Disorders.

gnomAD v4.1: 2 of 1,613,852 alleles (0.00012%); highest among the groups gnomAD compares: South Asian, 0.0011%; no homozygotes.

Submission:

PreventionGenetics, part of Exact Sciences
Classification: Uncertain significance for KMT2D-related condition. Last evaluated: 2026-06-30. Review status: criteria provided, single submitter. Criteria: ACMG Guidelines, 2015. Collection method: clinical testing. Allele origin: germline.
Comment: The KMT2D c.7999C>T variant is predicted to result in the amino acid substitution p.Pro2667Ser. To our knowledge, this variant has not been reported in the literature or in a large population database (gnomAD), indicating this variant is rare. At this time, the clinical significance of this variant is uncertain due to the absence of conclusive functional and genetic evidence.